The following is an entry in ClinVar:

ClinVar aggregate classification (germline): Pathogenic (1 of 4 stars; one submission).

Allele frequency attached by ClinVar (database versions not stated): gnomAD exomes below 0.00001; TOPMed below 0.00001; ExAC 0.00001.
gnomAD v4.1: 2 of 1,614,062 alleles (0.00012%); highest among the groups gnomAD compares: South Asian, 0.0011%; no homozygotes.

Submission:

Labcorp Genetics (formerly Invitae), Labcorp
Classification: Pathogenic. Last evaluated: 2023-03-21. Review status: criteria provided, single submitter. Criteria: Invitae Variant Classification Sherloc (09022015). Collection method: clinical testing. Allele origin: germline.
Comment: For these reasons, this variant has been classified as Pathogenic. ClinVar contains an entry for this variant (Variation ID: 1350464). This variant has not been reported in the literature in individuals affected with LAMA3-related conditions. This variant is present in population databases (rs767178143, gnomAD 0.003%). This sequence change creates a premature translational stop signal (p.Leu1597*) in the LAMA3 gene. It is expected to result in an absent or disrupted protein product. Loss-of-function variants in LAMA3 are known to be pathogenic (PMID: 10366601, 11810295, 12915477, 16473856, 17362460, 22434185, 23869449, 27827380, 28087116).

Literature cited by the submitters: PubMed 10366601; PubMed 11810295; PubMed 12915477; PubMed 16473856; PubMed 17362460; PubMed 22434185; PubMed 23869449; PubMed 27827380; PubMed 28087116.

NM_198129.4(LAMA3):c.9617T>G (p.Leu3206Ter)

Gene: LAMA3 (laminin subunit alpha 3; plus strand). Cytogenetic location: 18q11.2.
Variant type: single nucleotide variant.
Coding change: c.9617T>G on transcript NM_198129.4 (MANE Select); coding-DNA position 9617, T replaced by G.
Protein change: p.Leu3206Ter; replaces leucine 3206 with a stop codon.
Molecular consequence: nonsense.
Genome position (GRCh38, 1-based): chr18:23,950,134, T>G. VCF-style: chr18-23950134-T-G. GRCh37 (hg19) VCF-style: chr18-21530098-T-G.
Other names: c.4790T>G, p.Leu1597Ter (NM_000227.6); c.9449T>G, p.Leu3150Ter (NM_001127717.4); c.4622T>G, p.Leu1541Ter (NM_001127718.4); short protein forms L1541*, L3206*, L1597*, L3150*.
Identifiers: ClinVar variation 1350464 (VCV001350464.6), dbSNP rs767178143, ClinGen allele CA8917242.